The following is an entry in ClinVar:

NM_001348716.2(KDM6B):c.3430C>A (p.Arg1144Ser)

Gene: KDM6B (lysine demethylase 6B; plus strand). Cytogenetic location: 17p13.1.
Variant type: single nucleotide variant.
Coding change: c.3430C>A on transcript NM_001348716.2 (MANE Select); coding-DNA position 3430, C replaced by A.
Protein change: p.Arg1144Ser; replaces arginine 1144 with serine.
Molecular consequence: missense variant.
Genome position (GRCh38, 1-based): chr17:7,849,718, C>A. VCF-style: chr17-7849718-C-A. GRCh37 (hg19) VCF-style: chr17-7753036-C-A.
Other names: c.3430C>A, p.Arg1144Ser (NM_001080424.2); short protein forms R1144S.
Identifiers: ClinVar variation 4071828 (VCV004071828.1).

ClinVar aggregate classification (germline): Uncertain significance (1 of 4 stars; one submission).

Submission:

GeneDx
Classification: Uncertain significance. Last evaluated: 2025-01-22. Review status: criteria provided, single submitter. Criteria: GeneDx Variant Classification Process June 2021. Collection method: clinical testing. Allele origin: germline. Affected: yes.
Comment: Not observed at significant frequency in large population cohorts (gnomAD); In silico analysis supports that this missense variant has a deleterious effect on protein structure/function; Has not been previously published as pathogenic or benign to our knowledge